The following is an entry in ClinVar:

NM_001853.4(COL9A3):c.219A>G (p.Pro73=)

Gene: COL9A3 (collagen type IX alpha 3 chain; plus strand). Cytogenetic location: 20q13.33.
Variant type: single nucleotide variant.
Coding change: c.219A>G on transcript NM_001853.4 (MANE Select); coding-DNA position 219, A replaced by G.
Protein change: p.Pro73=; no amino-acid change (proline 73 retained).
Molecular consequence: synonymous variant.
Genome position (GRCh38, 1-based): chr20:62,819,257, A>G. VCF-style: chr20-62819257-A-G. GRCh37 (hg19) VCF-style: chr20-61450609-A-G.
Identifiers: ClinVar variation 5001326 (VCV005001326.1).
Genomic context (GRCh38, chr20:62,819,257, plus strand): 5'-ATCTCTGCCCTTTCCTCCTGCACAGGGACCAAAGGGGGCCCCAGGAAAGCCGGGGAAACC[A>G]GGAGAGGCTGGGCTGCCGGGACTGCCGGGTGTGGATGTGAGTGCGCCTGCCCCTCCCCGC-3'
Protein context (NP_001844.3, residues 63-83): PKGAPGKPGK[Pro73=]GEAGLPGLPG

ClinVar aggregate classification (germline): Likely benign (1 of 4 stars; one submission).

Conditions:
COL9A3-related disorder. Also called: COL9A3-related condition.

Submission:

PreventionGenetics, part of Exact Sciences
Classification: Likely benign for COL9A3-related condition. Last evaluated: 2025-01-03. Review status: criteria provided, single submitter. Criteria: ACMG Guidelines, 2015. Collection method: clinical testing. Allele origin: germline.
Comment: This variant is classified as likely benign based on ACMG/AMP sequence variant interpretation guidelines (Richards et al. 2015 PMID: 25741868, with internal and published modifications).